The following is an entry in ClinVar:

ClinVar aggregate classification (germline): Uncertain significance (1 of 4 stars; one submission).

Allele frequency attached by ClinVar (database versions not stated): TOPMed 0.00001.
gnomAD v4.1: 6 of 1,614,060 alleles (0.00037%); highest among the groups gnomAD compares: Non-Finnish European, 0.00051%; no homozygotes.

Submission:

GeneDx
Classification: Uncertain significance. Last evaluated: 2019-11-06. Review status: criteria provided, single submitter. Criteria: GeneDx Variant Classification Process June 2021. Collection method: clinical testing. Allele origin: germline. Affected: yes.
Comment: Not observed at a significant frequency in large population cohorts (Lek et al., 2016); In silico analysis, which includes protein predictors and evolutionary conservation, supports a deleterious effect; Has not been previously published as pathogenic or benign to our knowledge

NM_138477.4(CDAN1):c.1585G>C (p.Asp529His)

Gene: CDAN1 (codanin 1; minus strand). Cytogenetic location: 15q15.2.
Variant type: single nucleotide variant.
Coding change: c.1585G>C on transcript NM_138477.4 (MANE Select); coding-DNA position 1585, G replaced by C.
Protein change: p.Asp529His; replaces aspartic acid 529 with histidine.
Molecular consequence: missense variant.
Genome position (GRCh38, 1-based): chr15:42,731,774, C>G on the plus strand (G>C on the coding strand, the complement: CDAN1 is on the minus strand). VCF-style: chr15-42731774-C-G. GRCh37 (hg19) VCF-style: chr15-43023972-C-G.
Other names: short protein forms D529H.
Identifiers: ClinVar variation 1309618 (VCV001309618.2), dbSNP rs751963997, ClinGen allele CA392046621.
Genomic context (GRCh38, chr15:42,731,774, plus strand): 5'-GCCGTTCCTGTAGGCGCCACAACCGCCCCAGCTTGTCAGCTCCCAGCATACTCAACACAT[C>G]TGGGGCCTCGCCCAAGACGGTGCCCCCAGCACCACCAGGGCTCTGACACATCTAGGGTGG-3'
Protein context (NP_612486.2, residues 519-539): AGGTVLGEAP[Asp529His]VLSMLGADKL